The following is an entry in ClinVar:

ClinVar aggregate classification (germline): Benign/Likely benign. Review status: criteria provided, multiple submitters, no conflicts (2 of 4 stars). 4 submissions from 4 submitters: Benign (1); Likely benign (3). Last evaluated 2025-12-22.

Conditions:
Hereditary cancer-predisposing syndrome. Also called: Tumor predisposition; Hereditary Cancer Syndrome; Hereditary neoplastic syndrome; Neoplastic Syndromes, Hereditary. Identifiers: Orphanet 140162, MedGen C0027672, MeSH D009386, MONDO:0015356.
Hereditary diffuse gastric adenocarcinoma (HDGC). Also called: DIFFUSE GASTRIC AND LOBULAR BREAST CANCER SYNDROME. Identifiers: Orphanet 26106, MedGen C1708349, MONDO:0007648, OMIM 137215.

Allele frequency attached by ClinVar (database versions not stated): TOPMed below 0.00001; gnomAD exomes 0.00001.
gnomAD v4.1: 9 of 1,614,092 alleles (0.00056%); highest among the groups gnomAD compares: Non-Finnish European, 0.00076%; no homozygotes.

Submissions (4):

Labcorp Genetics (formerly Invitae), Labcorp
Classification: Likely benign for Hereditary diffuse gastric adenocarcinoma. Last evaluated: 2025-12-22. Review status: criteria provided, single submitter. Criteria: Invitae Variant Classification Sherloc (09022015). Collection method: clinical testing. Allele origin: germline.

Myriad Genetics, Inc.
Classification: Benign for Hereditary diffuse gastric adenocarcinoma. Last evaluated: 2024-09-20. Review status: criteria provided, single submitter. Criteria: Myriad Autosomal Dominant, Autosomal Recessive and X-Linked Classification Criteria (2023). Collection method: clinical testing. Allele origin: unknown.
Comment: This variant is considered benign. This variant is a silent/synonymous amino acid change and it is not expected to impact splicing.

Color Diagnostics, LLC DBA Color Health
Classification: Likely benign for Hereditary cancer-predisposing syndrome. Last evaluated: 2018-11-02. Review status: criteria provided, single submitter. Criteria: ACMG Guidelines, 2015. Collection method: clinical testing. Allele origin: germline.

Ambry Genetics
Classification: Likely benign for Hereditary cancer-predisposing syndrome. Last evaluated: 2015-09-28. Review status: criteria provided, single submitter. Criteria: Ambry Variant Classification Scheme 2023. Collection method: clinical testing. Allele origin: germline.

NM_004360.5(CDH1):c.1866T>C (p.Asn622=)

Gene: CDH1 (cadherin 1; plus strand). Cytogenetic location: 16q22.1.
Variant type: single nucleotide variant.
Coding change: c.1866T>C on transcript NM_004360.5 (MANE Select); coding-DNA position 1866, T replaced by C.
Protein change: p.Asn622=; no amino-acid change (asparagine 622 retained).
Molecular consequence: synonymous variant. On other transcripts: 5 prime UTR variant (1).
Genome position (GRCh38, 1-based): chr16:68,822,155, T>C. VCF-style: chr16-68822155-T-C. GRCh37 (hg19) VCF-style: chr16-68856058-T-C.
Other names: c.1866T>C (LRG_301t1); c.1683T>C, p.Asn561= (NM_001317184.2); c.318T>C, p.Asn106= (NM_001317185.2); c.-100T>C (NM_001317186.2).
Identifiers: ClinVar variation 184770 (VCV000184770.16), dbSNP rs786201678, ClinGen allele CA190003.
Genomic context (GRCh38, chr16:68,822,155, plus strand): 5'-CTGTGAGAGGAATCCAAAGCCTCAGGTCATAAACATCATTGATGCAGACCTTCCTCCCAA[T>C]ACATCTCCCTTCACAGCAGAACTAACACACGGGGCGAGTGCCAACTGGACCATTCAGTAC-3'
Protein context (NP_004351.1, residues 612-632): INIIDADLPP[Asn622=]TSPFTAELTH